The following is an entry in ClinVar:

NM_001854.4(COL11A1):c.3978+4A>G

Gene: COL11A1 (collagen type XI alpha 1 chain; minus strand). Cytogenetic location: 1p21.1.
Variant type: single nucleotide variant.
Coding change: c.3978+4A>G on transcript NM_001854.4 (MANE Select); 4 bases into the intron after coding-DNA position 3978, A replaced by G.
Molecular consequence: intron variant.
Genome position (GRCh38, 1-based): chr1:102,914,348, T>C on the plus strand (A>G on the coding strand, the complement: COL11A1 is on the minus strand). VCF-style: chr1-102914348-T-C. GRCh37 (hg19) VCF-style: chr1-103379904-T-C.
Other names: c.3861+4A>G (NM_001190709.2); c.4014+4A>G (NM_080629.3); c.3630+4A>G (NM_080630.4).
Identifiers: ClinVar variation 1044493 (VCV001044493.6), dbSNP rs1255959388, ClinGen allele CA524884993.

ClinVar aggregate classification (germline): Uncertain significance (1 of 4 stars; one submission).

Allele frequency attached by ClinVar (database versions not stated): gnomAD exomes below 0.00001.
gnomAD v4.1: 1 of 1,602,070 alleles (0.000062%); highest among the groups gnomAD compares: East Asian, 0.0022%; no homozygotes.

Submission:

Labcorp Genetics (formerly Invitae), Labcorp
Classification: Uncertain significance. Last evaluated: 2022-10-18. Review status: criteria provided, single submitter. Criteria: Invitae Variant Classification Sherloc (09022015). Collection method: clinical testing. Allele origin: germline.
Comment: In summary, the available evidence is currently insufficient to determine the role of this variant in disease. Therefore, it has been classified as a Variant of Uncertain Significance. Variants that disrupt the consensus splice site are a relatively common cause of aberrant splicing (PMID: 17576681, 9536098). Algorithms developed to predict the effect of sequence changes on RNA splicing suggest that this variant may create or strengthen a splice site. ClinVar contains an entry for this variant (Variation ID: 1044493). This variant has not been reported in the literature in individuals affected with COL11A1-related conditions. The frequency data for this variant in the population databases is considered unreliable, as metrics indicate poor data quality at this position in the gnomAD database. This sequence change falls in intron 52 of the COL11A1 gene. It does not directly change the encoded amino acid sequence of the COL11A1 protein. It affects a nucleotide within the consensus splice site.

Literature cited by the submitters: PubMed 17576681; PubMed 9536098.